The following is an entry in ClinVar:

NM_001040142.2(SCN2A):c.2367T>G (p.Ser789Arg)

Gene: SCN2A (sodium voltage-gated channel alpha subunit 2; plus strand). Cytogenetic location: 2q24.3.
Variant type: single nucleotide variant.
Coding change: c.2367T>G on transcript NM_001040142.2 (MANE Select); coding-DNA position 2367, T replaced by G.
Protein change: p.Ser789Arg; replaces serine 789 with arginine.
Molecular consequence: missense variant.
Genome position (GRCh38, 1-based): chr2:165,331,547, T>G. VCF-style: chr2-165331547-T-G. GRCh37 (hg19) VCF-style: chr2-166188057-T-G.
Other names: c.2367T>G, p.Ser789Arg (NM_001040143.2, NM_001371246.1, NM_001371247.1 and 1 more transcripts); short protein forms S789R.
Identifiers: ClinVar variation 2630054 (VCV002630054.1), dbSNP rs1181917414, ClinGen allele CA349031634.

ClinVar aggregate classification (germline): Uncertain significance (1 of 4 stars; one submission).

Conditions:
SCN2A-related disorder. Also called: SCN2A-related condition; SCN2A-related disorders. Identifiers: MedGen CN382226, MONDO:1060245.

Submission:

PreventionGenetics, part of Exact Sciences
Classification: Uncertain significance for SCN2A-related condition. Last evaluated: 2023-01-17. Review status: criteria provided, single submitter. Criteria: ACMG Guidelines, 2015. Collection method: clinical testing. Allele origin: germline.
Comment: The SCN2A c.2367T>G variant is predicted to result in the amino acid substitution p.Ser789Arg. To our knowledge, this variant has not been reported in the literature or in a large population database, indicating this variant is rare. At this time, the clinical significance of this variant is uncertain due to the absence of conclusive functional and genetic evidence.